The following is an entry in ClinVar:

ClinVar aggregate classification (germline): Uncertain significance (1 of 4 stars; one submission).

Submission:

GeneDx
Classification: Uncertain significance. Last evaluated: 2020-10-22. Review status: criteria provided, single submitter. Criteria: GeneDx Variant Classification Process June 2021. Collection method: clinical testing. Allele origin: germline. Affected: yes.
Comment: Not observed in large population cohorts (Lek et al., 2016); In silico analysis supports that this missense variant does not alter protein structure/function; Has not been previously published as pathogenic or benign to our knowledge

NM_001372044.2(SHANK3):c.3202C>A (p.Arg1068Ser)

Gene: SHANK3 (SH3 and multiple ankyrin repeat domains 3; plus strand). Cytogenetic location: 22q13.33.
Variant type: single nucleotide variant.
Coding change: c.3202C>A on transcript NM_001372044.2 (MANE Select); coding-DNA position 3202, C replaced by A.
Protein change: p.Arg1068Ser; replaces arginine 1068 with serine.
Molecular consequence: missense variant.
Genome position (GRCh38, 1-based): chr22:50,720,810, C>A. VCF-style: chr22-50720810-C-A. GRCh37 (hg19) VCF-style: chr22-51159238-C-A.
Other names: c.2977C>A (NM_033517.1); short protein forms R1068S.
Identifiers: ClinVar variation 1313279 (VCV001313279.2), dbSNP rs2083278623, ClinGen allele CA515260356.